The following is an entry in ClinVar:

ClinVar aggregate classification (germline): Uncertain significance. Review status: criteria provided, multiple submitters, no conflicts (2 of 4 stars). 2 submissions from 2 submitters: Uncertain significance (2). Last evaluated 2024-02-13.

Conditions:
Inborn genetic diseases. Identifiers: MedGen C0950123, MeSH D030342.

Allele frequency attached by ClinVar (database versions not stated): gnomAD exomes below 0.00001; gnomAD 0.00003; TOPMed 0.00006.
gnomAD v4.1: 11 of 1,613,194 alleles (0.00068%); highest among the groups gnomAD compares: Admixed American, 0.0067%; no homozygotes.

Submissions (2):

Ambry Genetics
Classification: Uncertain significance for Inborn genetic diseases. Last evaluated: 2024-02-13. Review status: criteria provided, single submitter. Criteria: Ambry Variant Classification Scheme 2023. Collection method: clinical testing. Allele origin: germline.

Labcorp Genetics (formerly Invitae), Labcorp
Classification: Uncertain significance. Last evaluated: 2024-01-26. Review status: criteria provided, single submitter. Criteria: Invitae Variant Classification Sherloc (09022015). Collection method: clinical testing. Allele origin: germline.
Comment: This sequence change replaces glutamic acid, which is acidic and polar, with lysine, which is basic and polar, at codon 74 of the ZEB1 protein (p.Glu74Lys). This variant is present in population databases (no rsID available, gnomAD 0.1%). This variant has not been reported in the literature in individuals affected with ZEB1-related conditions. ClinVar contains an entry for this variant (Variation ID: 2403803). An algorithm developed to predict the effect of missense changes on protein structure and function (PolyPhen-2) suggests that this variant is likely to be tolerated. In summary, the available evidence is currently insufficient to determine the role of this variant in disease. Therefore, it has been classified as a Variant of Uncertain Significance.

NM_001174096.2(ZEB1):c.220G>A (p.Glu74Lys)

Gene: ZEB1 (zinc finger E-box binding homeobox 1; plus strand). Cytogenetic location: 10p11.22.
Variant type: single nucleotide variant.
Coding change: c.220G>A on transcript NM_001174096.2 (MANE Select); coding-DNA position 220, G replaced by A.
Protein change: p.Glu74Lys; replaces glutamic acid 74 with lysine.
Molecular consequence: missense variant. On other transcripts: 5 prime UTR variant (28), intron variant (3).
Genome position (GRCh38, 1-based): chr10:31,461,198, G>A. VCF-style: chr10-31461198-G-A. GRCh37 (hg19) VCF-style: chr10-31750127-G-A.
Other names: c.169G>A, p.Glu57Lys (NM_001128128.3, NM_001174094.2, NM_001323678.2); c.220G>A, p.Glu74Lys (NM_001174093.2, NM_001323674.2, NM_030751.6); c.-438G>A (NM_001323638.2, NM_001323642.2, NM_001323643.2 and 10 more transcripts); c.-435G>A (NM_001323641.2, NM_001323645.2, NM_001323647.2 and 10 more transcripts); c.-375G>A (NM_001323648.2, NM_001323666.2); c.178G>A, p.Glu60Lys (NM_001323675.2, NM_001323676.2, NM_001323677.2); c.-395-34581G>A (NM_001323644.2); c.59-34581G>A (NM_001174095.2); and 1 more; short protein forms E60K, E74K, E57K.
Identifiers: ClinVar variation 2403803 (VCV002403803.4), dbSNP rs1051536569, ClinGen allele CA205386518.
Genomic context (GRCh38, chr10:31,461,198, plus strand): 5'-GAAGGTGTACCAGAGGATGACCTGCCAACAGACCAGACAGTGTTACCAGGGAGGAGCAGT[G>A]AAAGAGAAGGGAATGCTAAGAACTGCTGGGAGGATGACAGTAAGTCTGATTTTTTTTTGT-3'
Protein context (NP_001167567.1, residues 64-84): DQTVLPGRSS[Glu74Lys]REGNAKNCWE